The following is an entry in ClinVar:

NM_133259.4(LRPPRC):c.*556A>T

Gene: LRPPRC (leucine rich pentatricopeptide repeat containing; minus strand). Cytogenetic location: 2p21.
Variant type: single nucleotide variant.
Coding change: c.*556A>T on transcript NM_133259.4 (MANE Select); 556 bases downstream of the stop codon, A replaced by T.
Molecular consequence: 3 prime UTR variant.
Genome position (GRCh38, 1-based): chr2:43,888,044, T>A on the plus strand (A>T on the coding strand, the complement: LRPPRC is on the minus strand). VCF-style: chr2-43888044-T-A. GRCh37 (hg19) VCF-style: chr2-44115183-T-A.
Identifiers: ClinVar variation 336136 (VCV000336136.6), dbSNP rs1136998, ClinGen allele CA10615551.

ClinVar aggregate classification (germline): Benign. Review status: criteria provided, multiple submitters, no conflicts (2 of 4 stars). 2 submissions from 2 submitters: Benign (2). Last evaluated 2018-01-13.

Conditions:
Congenital lactic acidosis, Saguenay-Lac-Saint-Jean type (MC4DN5). Also called: CYTOCHROME c OXIDASE DEFICIENCY, FRENCH CANADIAN TYPE; COX DEFICIENCY, FRENCH CANADIAN TYPE; MITOCHONDRIAL COMPLEX IV DEFICIENCY, NUCLEAR TYPE 5. Identifiers: Orphanet 70472, MedGen C1857355, MONDO:0009069, OMIM 220111.

Allele frequency attached by ClinVar (database versions not stated): 1000 Genomes Project 30x 0.05653; 1000 Genomes Project 0.06030; TOPMed 0.07182; gnomAD 0.07663; gnomAD exomes 0.08017.
gnomAD v4.1: 11,777 of 156,414 alleles (7.5%); highest among the groups gnomAD compares: South Asian, 14%; 580 homozygotes.

Submissions (2):

Illumina Laboratory Services, Illumina
Classification: Benign for Congenital lactic acidosis, Saguenay-Lac-Saint-Jean type. Last evaluated: 2018-01-13. Review status: criteria provided, single submitter. Criteria: ICSL Variant Classification Criteria 13 December 2019. Collection method: clinical testing. Allele origin: germline.
Comment: This variant was observed in the ICSL laboratory as part of a predisposition screen in an ostensibly healthy population. It had not been previously curated by ICSL or reported in the Human Gene Mutation Database (HGMD: prior to June 1st, 2018), and was therefore a candidate for classification through an automated scoring system. Utilizing variant allele frequency, disease prevalence and penetrance estimates, and inheritance mode, an automated score was calculated to assess if this variant is too frequent to cause the disease. Based on the score and internal cut-off values, a variant classified as benign is not then subjected to further curation. The score for this variant resulted in a classification of benign for this disease.

Breakthrough Genomics
Classification: Benign. Review status: criteria provided, single submitter. Criteria: ACMG Guidelines, 2015. Collection method: not provided. Allele origin: germline. Inheritance: Autosomal recessive inheritance. Affected: yes.